The following is an entry in ClinVar:

ClinVar aggregate classification (germline): Likely benign (0 of 4 stars; one submission).

Conditions:
PARD6A-related disorder. Also called: PARD6A-related condition.

Allele frequency attached by ClinVar (database versions not stated): ExAC 0.00001; gnomAD exomes 0.00003; gnomAD 0.00015; TOPMed 0.00035.
gnomAD v4.1: 43 of 1,607,954 alleles (0.0027%); highest among the groups gnomAD compares: Admixed American, 0.062%; no homozygotes.

Submission:

PreventionGenetics, part of Exact Sciences
Classification: Likely benign for PARD6A-related condition. Last evaluated: 2019-08-26. Review status: no assertion criteria provided. Collection method: clinical testing. Allele origin: germline.
Comment: This variant is classified as likely benign based on ACMG/AMP sequence variant interpretation guidelines (Richards et al. 2015 PMID: 25741868, with internal and published modifications).

NM_001037281.2(PARD6A):c.78C>T (p.Phe26=)

Gene: PARD6A (par-6 family cell polarity regulator alpha; plus strand). Cytogenetic location: 16q22.1.
Variant type: single nucleotide variant.
Coding change: c.78C>T on transcript NM_001037281.2 (MANE Select); coding-DNA position 78, C replaced by T.
Protein change: p.Phe26=; no amino-acid change (phenylalanine 26 retained).
Molecular consequence: synonymous variant.
Genome position (GRCh38, 1-based): chr16:67,661,469, C>T. VCF-style: chr16-67661469-C-T. GRCh37 (hg19) VCF-style: chr16-67695372-C-T.
Other names: c.78C>T, p.Phe26= (NM_016948.3).
Identifiers: ClinVar variation 3053811 (VCV003053811.2), dbSNP rs762278947, ClinGen allele CA8115002.